The following is an entry in ClinVar:

NM_000321.3(RB1):c.1596C>A (p.Ile532=)

Gene: RB1 (RB transcriptional corepressor 1; plus strand). Cytogenetic location: 13q14.2.
Variant type: single nucleotide variant.
Coding change: c.1596C>A on transcript NM_000321.3 (MANE Select); coding-DNA position 1596, C replaced by A.
Protein change: p.Ile532=; no amino-acid change (isoleucine 532 retained).
Molecular consequence: synonymous variant.
Genome position (GRCh38, 1-based): chr13:48,381,344, C>A. VCF-style: chr13-48381344-C-A. GRCh37 (hg19) VCF-style: chr13-48955480-C-A.
Identifiers: ClinVar variation 819620 (VCV000819620.14), dbSNP rs770728170, ClinGen allele CA029120.

ClinVar aggregate classification (germline): Benign/Likely benign. Review status: criteria provided, multiple submitters, no conflicts (2 of 4 stars). 4 submissions from 4 submitters: Benign (1); Likely benign (3). Last evaluated 2026-06-24.

Conditions:
Hereditary cancer-predisposing syndrome. Also called: Tumor predisposition; Hereditary Cancer Syndrome; Hereditary neoplastic syndrome; Neoplastic Syndromes, Hereditary. Identifiers: Orphanet 140162, MedGen C0027672, MeSH D009386, MONDO:0015356.
Retinoblastoma (RB1). Also called: RETINOBLASTOMA, SOMATIC. Identifiers: Orphanet 790, MedGen C0035335, MeSH D012175, MONDO:0008380, OMIM 180200, HP:0009919. Disease mechanism: loss of function. Inheritance: Both sporadic and heritable forms are tested..

gnomAD v4.1: 1 of 1,611,192 alleles (0.000062%); highest among the groups gnomAD compares: South Asian, 0.0011%; no homozygotes.

Submissions (4):

Myriad Genetics, Inc.
Classification: Benign for Retinoblastoma. Last evaluated: 2026-06-24. Review status: criteria provided, single submitter. Criteria: Myriad Autosomal Dominant, Autosomal Recessive and X-Linked Classification Criteria (2023). Collection method: clinical testing. Allele origin: unknown.
Comment: This variant is considered benign. This variant is a silent/synonymous amino acid change and it is not expected to impact splicing.

Color Diagnostics, LLC DBA Color Health
Classification: Likely benign for Retinoblastoma. Last evaluated: 2025-06-30. Review status: criteria provided, single submitter. Criteria: ACMG Guidelines, 2015. Collection method: clinical testing. Allele origin: germline.

Labcorp Genetics (formerly Invitae), Labcorp
Classification: Likely benign for Retinoblastoma. Last evaluated: 2024-08-08. Review status: criteria provided, single submitter. Criteria: Invitae Variant Classification Sherloc (09022015). Collection method: clinical testing. Allele origin: germline.

Ambry Genetics
Classification: Likely benign for Hereditary cancer-predisposing syndrome. Last evaluated: 2019-01-17. Review status: criteria provided, single submitter. Criteria: Ambry Variant Classification Scheme 2023. Collection method: clinical testing. Allele origin: germline.